The following is an entry in ClinVar:

ClinVar aggregate classification (germline): Uncertain significance (1 of 4 stars; one submission).

Conditions:
Charcot-Marie-Tooth disease type 2. Also called: Charcot-Marie-Tooth type 2. Identifiers: Orphanet 64746, MedGen C0270914, MONDO:0018993.

Allele frequency attached by ClinVar (database versions not stated): gnomAD exomes below 0.00001.
gnomAD v4.1: 1 of 1,614,178 alleles (0.000062%); highest among the groups gnomAD compares: Non-Finnish European, 0.000085%; no homozygotes.

Submission:

Labcorp Genetics (formerly Invitae), Labcorp
Classification: Uncertain significance for Charcot-Marie-Tooth disease type 2. Last evaluated: 2024-12-22. Review status: criteria provided, single submitter. Criteria: Invitae Variant Classification Sherloc (09022015). Collection method: clinical testing. Allele origin: germline.
Comment: This sequence change replaces threonine, which is neutral and polar, with methionine, which is neutral and non-polar, at codon 845 of the AARS protein (p.Thr845Met). This variant is not present in population databases (gnomAD no frequency). This variant has not been reported in the literature in individuals affected with AARS-related conditions. ClinVar contains an entry for this variant (Variation ID: 1682111). Invitae Evidence Modeling of protein sequence and biophysical properties (such as structural, functional, and spatial information, amino acid conservation, physicochemical variation, residue mobility, and thermodynamic stability) indicates that this missense variant is not expected to disrupt AARS protein function with a negative predictive value of 95%. In summary, the available evidence is currently insufficient to determine the role of this variant in disease. Therefore, it has been classified as a Variant of Uncertain Significance.

NM_001605.3(AARS1):c.2534C>T (p.Thr845Met)

Gene: AARS1 (alanyl-tRNA synthetase 1; minus strand). Cytogenetic location: 16q22.1.
Variant type: single nucleotide variant.
Coding change: c.2534C>T on transcript NM_001605.3 (MANE Select); coding-DNA position 2534, C replaced by T.
Protein change: p.Thr845Met; replaces threonine 845 with methionine.
Molecular consequence: missense variant.
Genome position (GRCh38, 1-based): chr16:70,253,787, G>A on the plus strand (C>T on the coding strand, the complement: AARS1 is on the minus strand). VCF-style: chr16-70253787-G-A. GRCh37 (hg19) VCF-style: chr16-70287690-G-A.
Other names: short protein forms T845M.
Identifiers: ClinVar variation 1682111 (VCV001682111.8), dbSNP rs1959908249, ClinGen allele CA396555063.